The following is an entry in ClinVar:

ClinVar aggregate classification (germline): Benign. Review status: criteria provided, multiple submitters, no conflicts (2 of 4 stars). 2 submissions from 2 submitters: Benign (2). Last evaluated 2018-06-14.

Allele frequency attached by ClinVar (database versions not stated): TOPMed 0.04692; gnomAD 0.04849 and 0.04853; 1000 Genomes Project 30x 0.05543; 1000 Genomes Project 0.05671.
gnomAD v4.1: 40,353 of 1,122,918 alleles (3.6%); highest among the groups gnomAD compares: African/African-American, 9.3%; 1,193 homozygotes.

Submissions (2):

GeneDx
Classification: Benign. Last evaluated: 2018-06-14. Review status: criteria provided, single submitter. Criteria: GeneDx Variant Classification (06012015). Collection method: clinical testing. Allele origin: germline. Affected: yes.
Comment: This variant is considered likely benign or benign based on one or more of the following criteria: it is a conservative change, it occurs at a poorly conserved position in the protein, it is predicted to be benign by multiple in silico algorithms, and/or has population frequency not consistent with disease.

Breakthrough Genomics
Classification: Benign. Review status: criteria provided, single submitter. Criteria: ACMG Guidelines, 2015. Collection method: not provided. Allele origin: germline. Inheritance: Autosomal recessive inheritance. Affected: yes.

NM_002474.3(MYH11):c.5504+115C>G

Genes: MYH11 (myosin heavy chain 11; minus strand), NDE1 (nudE neurodevelopment protein 1; plus strand). Cytogenetic location: 16p13.11.
Variant type: single nucleotide variant.
Coding change: c.5504+115C>G on transcript NM_002474.3 (MANE Select); 115 bases into the intron after coding-DNA position 5504, C replaced by G.
Molecular consequence: intron variant.
Genome position (GRCh38, 1-based): chr16:15,717,025, G>C on the plus strand (C>G on the coding strand, the complement: MYH11 is on the minus strand). VCF-style: chr16-15717025-G-C. GRCh37 (hg19) VCF-style: chr16-15810882-G-C.
Other names: c.948-7166G>C (NM_001143979.2, NM_017668.3); c.5504+115C>G (NM_022844.3); c.5525+115C>G (NM_001040114.2, NM_001040113.2).
Identifiers: ClinVar variation 675279 (VCV000675279.2), dbSNP rs8059010, ClinGen allele CA14278995.